The following is an entry in ClinVar:

ClinVar aggregate classification (germline): Uncertain significance (1 of 4 stars; one submission).

Conditions:
Severe combined immunodeficiency due to DNA-PKcs deficiency. Also called: Immunodeficiency 26 with or without neurologic abnormalities; IMMUNODEFICIENCY 26 WITH NEUROLOGIC ABNORMALITIES. Identifiers: Orphanet 317425, MedGen C4014833, MONDO:0014423, OMIM 615966.

Allele frequency attached by ClinVar (database versions not stated): gnomAD exomes below 0.00001; gnomAD 0.00002.
gnomAD v4.1: 9 of 1,613,466 alleles (0.00056%); highest among the groups gnomAD compares: Non-Finnish European, 0.00076%; no homozygotes.

Submission:

Labcorp Genetics (formerly Invitae), Labcorp
Classification: Uncertain significance for Severe combined immunodeficiency due to DNA-PKcs deficiency. Last evaluated: 2023-12-27. Review status: criteria provided, single submitter. Criteria: Invitae Variant Classification Sherloc (09022015). Collection method: clinical testing. Allele origin: germline.
Comment: This sequence change replaces asparagine, which is neutral and polar, with serine, which is neutral and polar, at codon 2266 of the PRKDC protein (p.Asn2266Ser). This variant is not present in population databases (gnomAD no frequency). This variant has not been reported in the literature in individuals affected with PRKDC-related conditions. Advanced modeling of protein sequence and biophysical properties (such as structural, functional, and spatial information, amino acid conservation, physicochemical variation, residue mobility, and thermodynamic stability) performed at Invitae indicates that this missense variant is expected to disrupt PRKDC protein function with a positive predictive value of 80%. In summary, the available evidence is currently insufficient to determine the role of this variant in disease. Therefore, it has been classified as a Variant of Uncertain Significance.

NM_006904.7(PRKDC):c.6797A>G (p.Asn2266Ser)

Gene: PRKDC (protein kinase, DNA-activated, catalytic subunit; minus strand). Cytogenetic location: 8q11.21.
Variant type: single nucleotide variant.
Coding change: c.6797A>G on transcript NM_006904.7 (MANE Select); coding-DNA position 6797, A replaced by G.
Protein change: p.Asn2266Ser; replaces asparagine 2266 with serine.
Molecular consequence: missense variant.
Genome position (GRCh38, 1-based): chr8:47,854,179, T>C on the plus strand (A>G on the coding strand, the complement: PRKDC is on the minus strand). VCF-style: chr8-47854179-T-C. GRCh37 (hg19) VCF-style: chr8-48766740-T-C.
Other names: c.6797A>G, p.Asn2266Ser (NM_001081640.2); short protein forms N2266S.
Identifiers: ClinVar variation 2831549 (VCV002831549.3), dbSNP rs2088481014, ClinGen allele CA371158571.
Genomic context (GRCh38, chr8:47,854,179, plus strand): 5'-GGCAGGTCATTGGCCATCACGATGCCTAGCAATTGAATCCCTACTGAGTTGTCTTTAGAA[T>C]TAGGATCTTTACCGGAAAACTTTTCAAATATTAACCTGAAACATAAGCACAAAGGAGAAA-3'
Protein context (NP_008835.5, residues 2256-2276): IFEKFSGKDP[Asn2266Ser]SKDNSVGIQL